The following is an entry in ClinVar:

ClinVar aggregate classification (germline): Pathogenic/Likely pathogenic. Review status: criteria provided, multiple submitters, no conflicts (2 of 4 stars). 2 submissions from 2 submitters: Pathogenic (1); Likely pathogenic (1). Last evaluated 2025-03-21.

Conditions:
Cystic fibrosis (CF). Also called: MUCOVISCIDOSIS. Identifiers: Orphanet 586, MedGen C0010674, MONDO:0009061, OMIM 219700. Disease mechanism: loss of function.
CFTR-related disorder (CFTR-RD). Also called: CFTR-related disorders; CFTR-related condition. Identifiers: MedGen C5924204, MONDO:7770004.

gnomAD v4.1: 1 of 1,613,216 alleles (0.000062%); highest among the groups gnomAD compares: Non-Finnish European, 0.000085%; no homozygotes.

Submissions (2):

Natera, Inc.
Classification: Likely pathogenic for CFTR-related disorders. Last evaluated: 2025-03-21. Review status: criteria provided, single submitter. Criteria: Natera Variant Classification Schema (03/2026). Collection method: clinical testing. Allele origin: germline.
Comment: The c.3181G>A variant in CFTR is a missense variant predicted to cause substitution of glycine to arginine at amino acid 1061. This variant is rare in the general population with a frequency below the threshold expected for the associated phenotype(s). This variant has been observed in one or more individuals affected with the associated recessive disease, as either homozygous or compound heterozygous with a second variant (PMID: 8723695). Functional studies show that this variant may disrupt protein function (PMID: 8662892). Another variant at this same site results in an alteration predicted to cause a similar molecular effect has been observed in individual(s) with the associated phenotype. Computational prediction algorithms indicate this variant is likely to affect gene or protein function. Given the available evidence, this variant is classified as Likely Pathogenic.

Women's Health and Genetics/Laboratory Corporation of America, LabCorp
Classification: Pathogenic for Cystic fibrosis. Last evaluated: 2024-05-06. Review status: criteria provided, single submitter. Criteria: LabCorp Variant Classification Summary - May 2015. Collection method: clinical testing. Allele origin: germline.
Comment: Variant summary: CFTR c.3181G>A (p.Gly1061Arg) results in a non-conservative amino acid change located in the ABC transporter type 1, transmembrane domain (IPR011527) of the encoded protein sequence. Five of five in-silico tools predict a damaging effect of the variant on protein function. The variant was absent in 250828 control chromosomes. c.3181G>A has been reported in the literature in one individual affected with Cystic Fibrosis (Bienvenu_1996). A different variant resulting in the same amino acid consequence has been classified as pathogenic by our lab (c.3181G>C, p.G1061R), supporting the pathogenicity of this variant. To our knowledge, no experimental evidence demonstrating an impact on protein function has been reported. The following publication have been ascertained in the context of this evaluation (PMID: 7540587). No submitters have cited clinical-significance assessments for this variant to ClinVar. Based on the evidence outlined above, the variant was classified as pathogenic.

Literature cited by the submitters: PubMed 8723695 (cited by Natera, Inc.); PubMed 8662892 (cited by Natera, Inc.); PubMed 7540587 (cited by Women's Health and Genetics/Laboratory Corporation of America, LabCorp).

NM_000492.4(CFTR):c.3181G>A (p.Gly1061Arg)

Genes: CFTR (CF transmembrane conductance regulator; plus strand), CFTR-AS2 (CFTR antisense RNA 2; minus strand), LOC111674472 (DNase I hypersensitive sites in introns 16 and 17a of CFTR; plus strand). Cytogenetic location: 7q31.2.
Variant type: single nucleotide variant.
Coding change: c.3181G>A on transcript NM_000492.4 (MANE Select); coding-DNA position 3181, G replaced by A.
Protein change: p.Gly1061Arg; replaces glycine 1061 with arginine.
Molecular consequence: missense variant.
Genome position (GRCh38, 1-based): chr7:117,611,622, G>A. VCF-style: chr7-117611622-G-A. GRCh37 (hg19) VCF-style: chr7-117251676-G-A.
Other names: short protein forms G1061R.
Identifiers: ClinVar variation 3336162 (VCV003336162.2).